The following is an entry in ClinVar:

NM_002225.5(IVD):c.149G>A (p.Arg50His)

Gene: IVD (isovaleryl-CoA dehydrogenase; plus strand). Cytogenetic location: 15q15.1.
Variant type: single nucleotide variant.
Coding change: c.149G>A on transcript NM_002225.5 (MANE Select); coding-DNA position 149, G replaced by A.
Protein change: p.Arg50His; replaces arginine 50 with histidine.
Molecular consequence: missense variant. On other transcripts: non-coding transcript variant (1), intron variant (1).
Genome position (GRCh38, 1-based): chr15:40,407,640, G>A. VCF-style: chr15-40407640-G-A. GRCh37 (hg19) VCF-style: chr15-40699841-G-A.
Other names: c.101G>A, p.Arg34His (NM_001354597.3); c.149G>A, p.Arg50His (NM_001354598.3, NM_001354599.3, NM_001354600.3 and 1 more transcripts); c.145-299G>A (NM_001159508.3); short protein forms R50H, R34H.
Identifiers: ClinVar variation 370843 (VCV000370843.23), dbSNP rs2229311, ClinGen allele CA7480513.

ClinVar aggregate classification (germline): Pathogenic/Likely pathogenic. Review status: criteria provided, multiple submitters, no conflicts (2 of 4 stars). 11 submissions from 11 submitters: Pathogenic (8); Likely pathogenic (2). 1 of the submissions does not count toward it. Last evaluated 2025-08-19.

Conditions:
Inborn genetic diseases. Identifiers: MedGen C0950123, MeSH D030342.
IVD-related disorder. Also called: IVD-related condition.
Isovaleryl-CoA dehydrogenase deficiency (IVA). Also called: Isovaleric acidemia; IVD DEFICIENCY; ISOVALERIC ACID CoA DEHYDROGENASE DEFICIENCY; Classic Isovaleric Acidemia. Identifiers: Orphanet 33, MedGen C0268575, MONDO:0009475, OMIM 243500.

Allele frequency attached by ClinVar (database versions not stated): gnomAD 0.00001; TOPMed 0.00008.
gnomAD v4.1: 21 of 1,613,824 alleles (0.0013%); highest among the groups gnomAD compares: Admixed American, 0.005%; no homozygotes.

Submissions (11):

Labcorp Genetics (formerly Invitae), Labcorp
Classification: Pathogenic for Isovaleryl-CoA dehydrogenase deficiency. Last evaluated: 2025-08-19. Review status: criteria provided, single submitter. Criteria: Invitae Variant Classification Sherloc (09022015). Collection method: clinical testing. Allele origin: germline.
Comment: This sequence change replaces arginine, which is basic and polar, with histidine, which is basic and polar, at codon 53 of the IVD protein (p.Arg53His). This variant is present in population databases (rs2229311, gnomAD 0.006%). This missense change has been observed in individual(s) with isovaleric acidemia (PMID: 15486829, 17027310, 19099814, 27904153). In at least one individual the data is consistent with being in trans (on the opposite chromosome) from a pathogenic variant. This variant is also known as c.149G>A (p.Arg21His). ClinVar contains an entry for this variant (Variation ID: 370843). An algorithm developed to predict the effect of missense changes on protein structure and function (PolyPhen-2) suggests that this variant is likely to be disruptive. This variant disrupts the p.Arg53 amino acid residue in IVD. Other variant(s) that disrupt this residue have been observed in individuals with IVD-related conditions (PMID: 10677295, 15486829, 17576084), which suggests that this may be a clinically significant amino acid residue. For these reasons, this variant has been classified as Pathogenic.

Natera, Inc.
Classification: Pathogenic for Isovaleryl-coa dehydrogenase deficiency. Last evaluated: 2025-08-10. Review status: criteria provided, single submitter. Criteria: Natera Variant Classification Schema (03/2026). Collection method: clinical testing. Allele origin: germline.
Comment: The c.158G>A variant in IVD is a missense variant predicted to cause substitution of arginine to histidine at amino acid 53. This variant is rare in the general population with a frequency below the threshold expected for the associated phenotype(s). This variant has been observed in one or more individuals affected with the associated recessive disease, as either homozygous or compound heterozygous with a second variant (PMID: 17027310, 31442447, 31707166, 34394177). Computational prediction algorithms indicate this variant is likely to affect gene or protein function. Given the available evidence, this variant is classified as Pathogenic.

Blueprint Genetics
Classification: Pathogenic for IVD-related disorders. Last evaluated: 2024-05-10. Review status: criteria provided, single submitter. Criteria: ACMG Guidelines, 2015. Collection method: clinical testing. Allele origin: de novo. Affected: yes. Observed: 3 variant alleles.

Baylor Genetics
Classification: Pathogenic for Isovaleryl-CoA dehydrogenase deficiency. Last evaluated: 2024-02-22. Review status: criteria provided, single submitter. Criteria: ACMG Guidelines, 2015. Collection method: clinical testing. Allele origin: unknown.

Fulgent Genetics
Classification: Pathogenic for Isovaleryl-CoA dehydrogenase deficiency. Last evaluated: 2024-01-30. Review status: criteria provided, single submitter. Criteria: ACMG Guidelines, 2015. Collection method: clinical testing. Allele origin: germline.

GeneDx
Classification: Pathogenic. Last evaluated: 2022-03-09. Review status: criteria provided, single submitter. Criteria: GeneDx Variant Classification Process June 2021. Collection method: clinical testing. Allele origin: germline. Affected: yes.
Comment: Not observed at significant frequency in large population cohorts (gnomAD); In silico analysis supports that this missense variant has a deleterious effect on protein structure/function; Sometimes reported as R21H or R50H using alternate nomenclature; This variant is associated with the following publications: (PMID: 25220015, 19099814, 15486829, 22960500, 33565069, 32778825, 32505769, 31442447, 27904153, 17027310, 31707166)

Ambry Genetics
Classification: Likely pathogenic for Inborn genetic diseases. Last evaluated: 2021-08-27. Review status: criteria provided, single submitter. Criteria: Ambry Variant Classification Scheme 2023. Collection method: clinical testing. Allele origin: germline.
Comment: The c.158G>A (p.R53H) alteration is located in exon 2 (coding exon 2) of the IVD gene. This alteration results from a G to A substitution at nucleotide position 158, causing the arginine (R) at amino acid position 53 to be replaced by a histidine (H). Based on data from gnomAD, the A allele has an overall frequency of <0.01% (7/251478) total alleles studied. The highest observed frequency was 0.01% (2/34592) of Latino alleles. This alteration, also described as p.R21H in literature, has been reported in the homozygous state or compound heterozygous state with a second IVD alteration in several patients with isovaleric acidemia (Ensenauer, 2004; Lin, 2007; Couce, 2017; Li, 2019; Ibarra-Gonz&aacute;lez, 2020). This alteration is predicted to be deleterious by in silico analysis. Based on the available evidence, this alteration is classified as likely pathogenic.

Institute of Human Genetics, University of Leipzig Medical Center
Classification: Pathogenic for Isovaleryl-CoA dehydrogenase deficiency. Last evaluated: 2019-01-01. Review status: criteria provided, single submitter. Criteria: ACMG Guidelines, 2015. Collection method: clinical testing. Allele origin: unknown. Affected: yes.

Juno Genomics, Hangzhou Juno Genomics, Inc
Classification: Likely pathogenic for Isovaleryl-CoA dehydrogenase deficiency. Review status: criteria provided, single submitter. Criteria: ACMG Guidelines, 2015. Collection method: clinical testing. Allele origin: germline.
Comment: Absent from controls (or at extremely low frequency if recessive) in Genome Aggregation Database.;Multiple lines of computational evidence support a deleterious effect on the gene or gene product.;For recessive disorders, detected in trans with a pathogenic variant.;Patient's phenotype or family history is highly specific for a disease with a single genetic etiology.

Neuberg Centre For Genomic Medicine, NCGM
Classification: Pathogenic for Isovaleryl-CoA dehydrogenase deficiency. Review status: criteria provided, single submitter. Criteria: ACMG Guidelines, 2015. Collection method: clinical testing. Allele origin: germline. Inheritance: Autosomal recessive inheritance. Affected: yes.
Comment: The missense c.149G>A (p.Arg50His) variant in the IVD gene has been observed in several patients with isovaleric acidemia (Ensenauer, Regina et al., 2004). The variant is present in a mutational hotspot. A different amino acid change p.Arg50Cys has been reported as pathogenic (van der Weerd K, et al., 2017). This variant is reported with the allele frequency (0.002%) in the gnomAD Exomes. It is submitted to ClinVar as Pathogenic/Likely Pathogenic. The amino acid Arginine at position 50 is changed to a Histidine changing protein sequence and it might alter its composition and physico-chemical properties. The variant is predicted as damaging by SIFT. The amino acid change p.Arg50His in IVD is predicted as conserved by GERP++ and PhyloP across 100 vertebrates. For these reasons, this variant has been classified as Pathogenic.

Counsyl
Classification: Likely pathogenic for Isovaleryl-CoA dehydrogenase deficiency. Last evaluated: 2016-04-28. Review status: no assertion criteria provided. Collection method: clinical testing. Allele origin: unknown. Not counted in ClinVar's aggregate classification.

Literature cited by the submitters: PubMed 15486829 (cited by 3 submitters); PubMed 17027310 (cited by 4 submitters); PubMed 19099814 (cited by Labcorp Genetics (formerly Invitae), Labcorp and Counsyl); PubMed 27904153 (cited by Labcorp Genetics (formerly Invitae), Labcorp and Ambry Genetics); PubMed 10677295 (cited by Labcorp Genetics (formerly Invitae), Labcorp); PubMed 17576084 (cited by Labcorp Genetics (formerly Invitae), Labcorp); PubMed 31442447 (cited by Natera, Inc. and Ambry Genetics); PubMed 31707166 (cited by Natera, Inc. and Ambry Genetics); PubMed 34394177 (cited by Natera, Inc.); PubMed 25220015 (cited by Counsyl).